The following is an entry in ClinVar:

ClinVar aggregate classification (germline): Uncertain significance (1 of 4 stars; one submission).

Allele frequency attached by ClinVar (database versions not stated): gnomAD exomes below 0.00001; gnomAD 0.00001.
gnomAD v4.1: 2 of 1,613,708 alleles (0.00012%); highest among the groups gnomAD compares: Non-Finnish European, 0.00017%; no homozygotes.

Submission:

Labcorp Genetics (formerly Invitae), Labcorp
Classification: Uncertain significance. Last evaluated: 2021-10-27. Review status: criteria provided, single submitter. Criteria: Invitae Variant Classification Sherloc (09022015). Collection method: clinical testing. Allele origin: germline.
Comment: Algorithms developed to predict the effect of missense changes on protein structure and function (SIFT, PolyPhen-2, Align-GVGD) all suggest that this variant is likely to be tolerated. This variant has not been reported in the literature in individuals affected with PEX11B-related conditions. This variant is not present in population databases (gnomAD no frequency). This sequence change replaces glutamic acid, a(n) acidic and polar amino acid, with alanine, a(n) neutral and non-polar amino acid, at codon 69 of the PEX11B protein (p.Glu69Ala). In summary, the available evidence is currently insufficient to determine the role of this variant in disease. Therefore, it has been classified as a Variant of Uncertain Significance.

NM_003846.3(PEX11B):c.206A>C (p.Glu69Ala)

Gene: PEX11B (peroxisomal biogenesis factor 11 beta; minus strand). Cytogenetic location: 1q21.1.
Variant type: single nucleotide variant.
Coding change: c.206A>C on transcript NM_003846.3 (MANE Select); coding-DNA position 206, A replaced by C.
Protein change: p.Glu69Ala; replaces glutamic acid 69 with alanine.
Molecular consequence: missense variant. On other transcripts: non-coding transcript variant (3).
Genome position (GRCh38, 1-based): chr1:145,916,985, T>G on the plus strand (A>C on the coding strand, the complement: PEX11B is on the minus strand). VCF-style: chr1-145916985-T-G. GRCh37 (hg19) VCF-style: chr1-145518104-A-C.
Other names: c.164A>C, p.Glu55Ala (NM_001184795.1); short protein forms E55A, E69A.
Identifiers: ClinVar variation 1466377 (VCV001466377.5), dbSNP rs781892707, ClinGen allele CA29816776.